The following is an entry in ClinVar:

NM_001127222.2(CACNA1A):c.2723_2738delinsTG (p.Gly908fs)

Gene: CACNA1A (calcium voltage-gated channel subunit alpha1 A; minus strand). Cytogenetic location: 19p13.13.
Variant type: Indel.
Coding change: c.2723_2738delinsTG on transcript NM_001127222.2 (MANE Select); coding-DNA positions 2723 to 2738, GCAGCCTGGAGCAACC replaced by TG.
Protein change: p.Gly908fs; shifts the reading frame from glycine 908.
Molecular consequence: frameshift variant.
Genome position (GRCh38, 1-based): chr19:13,298,895-13,298,910, GGTTGCTCCAGGCTGC replaced by CA on the plus strand (GCAGCCTGGAGCAACC replaced by TG on the coding strand, the reverse complement: CACNA1A is on the minus strand). VCF-style: chr19-13298895-GGTTGCTCCAGGCTGC-CA. GRCh37 (hg19) VCF-style: chr19-13409709-GGTTGCTCCAGGCTGC-CA.
Other names: c.2735_2750delinsTG, p.Gly912fs (NM_000068.4, NM_023035.3); c.2726_2741delinsTG, p.Gly909fs (NM_001127221.2, NM_001174080.2); short protein forms G908fs, G909fs, G912fs.
Identifiers: ClinVar variation 2684113 (VCV002684113.1), dbSNP rs2512907529, ClinGen allele CA2697556336.

ClinVar aggregate classification (germline): Pathogenic (1 of 4 stars; one submission).

Submission:

Athena Diagnostics
Classification: Pathogenic. Last evaluated: 2023-02-07. Review status: criteria provided, single submitter. Criteria: Athena Diagnostics Criteria. Collection method: clinical testing. Allele origin: unknown.
Comment: This variant is expected to result in the loss of a functional protein. This variant has not been reported in large, multi-ethnic general populations. This variant has been identified in at least one individual with clinical features associated with this gene.